The following is an entry in ClinVar:

ClinVar aggregate classification (germline): Uncertain significance (1 of 4 stars; one submission).

Conditions:
Dilated cardiomyopathy 1G (CMD1G). Identifiers: Orphanet 154, MedGen C1858763, MONDO:0011400, OMIM 604145.
Autosomal recessive limb-girdle muscular dystrophy type 2J (LGMDR10). Also called: Limb-girdle muscular dystrophy, type 2J; MUSCULAR DYSTROPHY, LIMB-GIRDLE, AUTOSOMAL RECESSIVE 10. Identifiers: Orphanet 140922, MedGen C1837342, MONDO:0012127, OMIM 608807.

gnomAD v4.1: 5 of 1,613,502 alleles (0.00031%); highest among the groups gnomAD compares: Non-Finnish European, 0.00042%; no homozygotes.

Submission:

Labcorp Genetics (formerly Invitae), Labcorp
Classification: Uncertain significance for Dilated cardiomyopathy 1G; Autosomal recessive limb-girdle muscular dystrophy type 2J. Last evaluated: 2024-10-29. Review status: criteria provided, single submitter. Criteria: Invitae Variant Classification Sherloc (09022015). Collection method: clinical testing. Allele origin: germline.
Comment: This sequence change replaces alanine, which is neutral and non-polar, with proline, which is neutral and non-polar, at codon 10075 of the TTN protein (p.Ala10075Pro). This variant also falls at the last nucleotide of exon 106, which is part of the consensus splice site for this exon. This variant is not present in population databases (gnomAD no frequency). This variant has not been reported in the literature in individuals affected with TTN-related conditions. ClinVar contains an entry for this variant (Variation ID: 2071541). Experimental studies and prediction algorithms are not available or were not evaluated, and the functional significance of this variant is currently unknown. Variants that disrupt the consensus splice site are a relatively common cause of aberrant splicing (PMID: 17576681, 9536098). Algorithms developed to predict the effect of sequence changes on RNA splicing suggest that this variant may disrupt the consensus splice site. This variant is located in the I band of TTN (PMID: 25589632). Non-truncating variants in this region may be clinically relevant, but have not been definitively shown to cause cardiomyopathy or neuromuscular disease (PMID: 27493940, 32778822). In summary, the available evidence is currently insufficient to determine the role of this variant in disease. Therefore, it has been classified as a Variant of Uncertain Significance.

Literature cited by the submitters: PubMed 17576681; PubMed 9536098; PubMed 25589632; PubMed 27493940; PubMed 32778822.

NM_001267550.2(TTN):c.30223G>C (p.Ala10075Pro)

Gene: TTN (titin; minus strand). Cytogenetic location: 2q31.2.
Variant type: single nucleotide variant.
Coding change: c.30223G>C on transcript NM_001267550.2 (MANE Select); coding-DNA position 30223, G replaced by C.
Protein change: p.Ala10075Pro; replaces alanine 10075 with proline.
Molecular consequence: missense variant. On other transcripts: intron variant (3).
Genome position (GRCh38, 1-based): chr2:178,704,147, C>G on the plus strand (G>C on the coding strand, the complement: TTN is on the minus strand). VCF-style: chr2-178704147-C-G. GRCh37 (hg19) VCF-style: chr2-179568874-C-G.
Other names: c.29272G>C, p.Ala9758Pro (NM_001256850.1); c.26491G>C, p.Ala8831Pro (NM_133378.4); c.13282+33935G>C (NM_003319.4); c.13858+33935G>C (NM_133437.4); c.13657+33935G>C (NM_133432.3); short protein forms A9758P, A10075P, A8831P.
Identifiers: ClinVar variation 2071541 (VCV002071541.4), dbSNP rs2475178202, ClinGen allele CA349574118.